The following is an entry in ClinVar:

ClinVar aggregate classification (germline): Pathogenic/Likely pathogenic. Review status: criteria provided, multiple submitters, no conflicts (2 of 4 stars). 2 submissions from 2 submitters: Pathogenic (1); Likely pathogenic (1). Last evaluated 2025-01-29.

Conditions:
Hereditary hemochromatosis (HFE). Identifiers: MedGen C0392514, MONDO:0006507. Disease mechanism: loss of function.
HFE-related disorder. Also called: HFE-related condition.

Submissions (2):

Labcorp Genetics (formerly Invitae), Labcorp
Classification: Pathogenic for Hereditary hemochromatosis. Last evaluated: 2025-01-29. Review status: criteria provided, single submitter. Criteria: Invitae Variant Classification Sherloc (09022015). Collection method: clinical testing. Allele origin: germline.
Comment: This sequence change creates a premature translational stop signal (p.Trp94Glyfs*117) in the HFE gene. It is expected to result in an absent or disrupted protein product. Loss-of-function variants in HFE are known to be pathogenic (PMID: 27518069). This variant is present in population databases (rs773296212, gnomAD 0.0009%). This premature translational stop signal has been observed in individual(s) with hemochromatosis (PMID: 15324319). ClinVar contains an entry for this variant (Variation ID: 1454985). Algorithms developed to predict the effect of sequence changes on RNA splicing suggest that this variant may disrupt the consensus splice site. For these reasons, this variant has been classified as Pathogenic.

Blueprint Genetics
Classification: Likely pathogenic for HFE-related disorders. Last evaluated: 2022-06-20. Review status: criteria provided, single submitter. Criteria: ACMG Guidelines, 2015. Collection method: clinical testing. Allele origin: germline. Affected: yes. Observed: 1 variant allele.

Literature cited by the submitters: PubMed 27518069 (cited by Labcorp Genetics (formerly Invitae), Labcorp); PubMed 15324319 (cited by Labcorp Genetics (formerly Invitae), Labcorp).

NM_000410.4(HFE):c.279del (p.Trp94fs)

Gene: HFE (homeostatic iron regulator; plus strand). Cytogenetic location: 6p22.2.
Variant type: Deletion.
Coding change: c.279del on transcript NM_000410.4 (MANE Select); coding-DNA position 279, one base deleted (G; older notation c.279delG).
Protein change: p.Trp94fs; shifts the reading frame from tryptophan 94.
Molecular consequence: frameshift variant. On other transcripts: intron variant (4).
Genome position (GRCh38, 1-based): chr6:26,091,043, G deleted; the last of 3 consecutive G bases (chr6:26,091,041-26,091,043); deleting any one gives the same sequence. VCF-style (leftmost placement, unchanged base first): chr6-26091040-AG-A. GRCh37 (hg19) VCF-style: chr6-26091268-AG-A.
Other names: c.279delG, p.Trp94Glyfs (NM_001300749.3, NM_001406751.1); c.279del, p.Trp94fs (NM_001384164.1, NM_139003.3, NM_139004.3 and 1 more transcripts); c.210del, p.Trp71fs (NM_139009.3); c.77-271del (NM_139007.3, NM_139008.3); c.77-1642del (NM_139010.3); c.77-2076del (NM_139011.3); short protein forms W71fs, W94fs.
Identifiers: ClinVar variation 1454985 (VCV001454985.11), dbSNP rs773296212, ClinGen allele CA3666618.
Genomic context (GRCh38, chr6:26,091,040, plus strand): 5'-TCCATGGGTTTCCAGTAGAATTTCAAGCCAGATGTGGCTGCAGCTGAGTCAGAGTCTGAA[AG>A]GGTGGGATCACATGTTCACTGTTGACTTCTGGACTATTATGGAAAATCACAACCACAGCA-3'